The following is an entry in ClinVar:

ClinVar aggregate classification (germline): Uncertain significance (1 of 4 stars; one submission).

Conditions:
Charcot-Marie-Tooth disease type 4. Also called: Charcot-Marie-Tooth disease, type IV; Charcot-Marie-Tooth, Type 4. Identifiers: Orphanet 64749, MedGen C4082197, MONDO:0018995.

Allele frequency attached by ClinVar (database versions not stated): gnomAD exomes 0.00001; ExAC 0.00002.
gnomAD v4.1: 4 of 1,613,690 alleles (0.00025%); highest among the groups gnomAD compares: Non-Finnish European, 0.00034%; no homozygotes.

Submission:

Labcorp Genetics (formerly Invitae), Labcorp
Classification: Uncertain significance for Charcot-Marie-Tooth disease type 4. Last evaluated: 2021-05-17. Review status: criteria provided, single submitter. Criteria: Invitae Variant Classification Sherloc (09022015). Collection method: clinical testing. Allele origin: germline.
Comment: In summary, the available evidence is currently insufficient to determine the role of this variant in disease. Therefore, it has been classified as a Variant of Uncertain Significance. Algorithms developed to predict the effect of missense changes on protein structure and function are either unavailable or do not agree on the potential impact of this missense change (SIFT: "Tolerated"; PolyPhen-2: "Probably Damaging"; Align-GVGD: "Class C0"). This variant has not been reported in the literature in individuals with PRX-related conditions. This variant is present in population databases (rs772827175, ExAC 0.005%). This sequence change replaces glycine with arginine at codon 1018 of the PRX protein (p.Gly1018Arg). The glycine residue is highly conserved and there is a moderate physicochemical difference between glycine and arginine.

NM_181882.3(PRX):c.3052G>A (p.Gly1018Arg)

Gene: PRX (periaxin; minus strand). Cytogenetic location: 19q13.2.
Variant type: single nucleotide variant.
Coding change: c.3052G>A on transcript NM_181882.3 (MANE Select); coding-DNA position 3052, G replaced by A.
Protein change: p.Gly1018Arg; replaces glycine 1018 with arginine.
Molecular consequence: missense variant. On other transcripts: 3 prime UTR variant (1).
Genome position (GRCh38, 1-based): chr19:40,395,300, C>T on the plus strand (G>A on the coding strand, the complement: PRX is on the minus strand). VCF-style: chr19-40395300-C-T. GRCh37 (hg19) VCF-style: chr19-40901207-C-T.
Other names: c.*3257G>A (NM_020956.2); short protein forms G1018R.
Identifiers: ClinVar variation 970234 (VCV000970234.9), dbSNP rs772827175, ClinGen allele CA9443928.